The following is an entry in ClinVar:

ClinVar aggregate classification (germline): Pathogenic (1 of 4 stars; one submission).

Conditions:
Classic homocystinuria. Also called: HOMOCYSTINURIA WITH OR WITHOUT RESPONSE TO PYRIDOXINE; Homocystinuria due to CBS deficiency; Cystathionine beta-synthase deficiency; CBS deficiency; Homocystinuria due to Cystathionine Beta-Synthase Deficiency. Identifiers: Orphanet 394, MedGen C0751202, MONDO:0009352, OMIM 236200.

Submission:

Myriad Genetics, Inc.
Classification: Pathogenic for Classic homocystinuria. Last evaluated: 2026-08-07. Review status: criteria provided, single submitter. Criteria: Myriad Autosomal Dominant, Autosomal Recessive and X-Linked Classification Criteria (2023). Collection method: clinical testing. Allele origin: unknown.
Comment: NM_000071.2(CBS):c.840_853del14(D281Hfs*44) is expected to be pathogenic in the context of homocystinuria, CBS-related. This variant is predicted to lead to an abnormal or absent protein product due to the creation of a premature termination codon in CBS, a gene where loss-of-function variants are known to be pathogenic. Please note: this variant was assessed in the context of healthy population screening.

NM_000071.3(CBS):c.840_853del (p.Asp281fs)

Gene: CBS (cystathionine beta-synthase; minus strand). Cytogenetic location: 21q22.3.
Variant type: Deletion.
Coding change: c.840_853del on transcript NM_000071.3 (MANE Select); coding-DNA positions 840 to 853, 14 bases deleted (GGATCCCGAAGGGT).
Protein change: p.Asp281fs; shifts the reading frame from aspartic acid 281.
Molecular consequence: frameshift variant.
Genome position (GRCh38, 1-based): chr21:43,063,054-43,063,067, ACCCTTCGGGATCC deleted on the plus strand (GGATCCCGAAGGGT on the coding strand, the reverse complement: CBS is on the minus strand); deleting any 14 consecutive bases within chr21:43,063,054-43,063,071 gives the same sequence; the c. name uses the placement nearest the transcript's 3' end. VCF-style (leftmost placement, unchanged base first): chr21-43063053-GACCCTTCGGGATCC-G. GRCh37 (hg19) VCF-style: chr21-44483163-GACCCTTCGGGATCC-G.
Other names: c.840_853del, p.Asp281fs (NM_001178008.3, NM_001178009.3, NM_001320298.2); c.525_538del, p.Asp176fs (NM_001321072.1); short protein forms D176fs, D281fs.
Identifiers: ClinVar variation 5016210 (VCV005016210.1).
Genomic context (GRCh38, chr21:43,063,053, plus strand): 5'-CCTTCCACCTCGTAGGTTGTCTGCTCCGTCTGGTTCAGCTCCTCCGGCTCTGCGAGGATG[GACCCTTCGGGATCC>G]ACCCCAATGATCTGCAGAGGGCGCGGCTTCAGGGCTCAAGGCCAGCAAAAGCCCCGCCTG-3'